The following is an entry in ClinVar:

NM_004744.5(LRAT):c.*817A>G

Gene: LRAT (lecithin retinol acyltransferase; plus strand). Cytogenetic location: 4q32.1.
Variant type: single nucleotide variant.
Coding change: c.*817A>G on transcript NM_004744.5 (MANE Select); 817 bases downstream of the stop codon, A replaced by G.
Molecular consequence: 3 prime UTR variant.
Genome position (GRCh38, 1-based): chr4:154,749,953, A>G. VCF-style: chr4-154749953-A-G. GRCh37 (hg19) VCF-style: chr4-155671105-A-G.
Other names: c.*817A>G (NM_001301645.2).
Identifiers: ClinVar variation 347861 (VCV000347861.7), dbSNP rs78274322, ClinGen allele CA10620275.
Genomic context (GRCh38, chr4:154,749,953, plus strand): 5'-ATAGGATTGAAGTTATGTGGGTATTTGGCATGTGTGTGTGAAATAAATATGTAGATAGTC[A>G]CATATACACAGACTGAGAGATAAATTGTTCTTGATTGCTTTATTATCATCATACTAGTGT-3'

ClinVar aggregate classification (germline): Benign/Likely benign. Review status: criteria provided, multiple submitters, no conflicts (2 of 4 stars). 3 submissions from 2 submitters: Benign (2); Likely benign (1). Last evaluated 2018-01-13.

Conditions:
Leber congenital amaurosis 14 (LCA14). Identifiers: MedGen C2750063, MONDO:0013231, OMIM 613341.
Retinitis pigmentosa (RP). Identifiers: Orphanet 791, MedGen C0035334, MeSH D012174, MONDO:0019200, OMIM 268000. Inheritance: Autosomal dominant, autosomal recessive and X linked inheritance.

Allele frequency attached by ClinVar (database versions not stated): gnomAD exomes 0.05263; TOPMed 0.09180; gnomAD 0.09886 and 0.10310; 1000 Genomes Project 0.13738; 1000 Genomes Project 30x 0.14319.
gnomAD v4.1: 15,683 of 152,238 alleles (10%); highest among the groups gnomAD compares: Admixed American, 26%; 1,204 homozygotes.

Submissions (3):

Illumina Laboratory Services, Illumina
Classification: Benign for Leber congenital amaurosis 14. Last evaluated: 2018-01-13. Review status: criteria provided, single submitter. Criteria: ICSL Variant Classification Criteria 13 December 2019. Collection method: clinical testing. Allele origin: germline.
Comment: This variant was observed in the ICSL laboratory as part of a predisposition screen in an ostensibly healthy population. It had not been previously curated by ICSL or reported in the Human Gene Mutation Database (HGMD: prior to June 1st, 2018), and was therefore a candidate for classification through an automated scoring system. Utilizing variant allele frequency, disease prevalence and penetrance estimates, and inheritance mode, an automated score was calculated to assess if this variant is too frequent to cause the disease. Based on the score and internal cut-off values, a variant classified as benign is not then subjected to further curation. The score for this variant resulted in a classification of benign for this disease.

Illumina Laboratory Services, Illumina
Classification: Benign for Retinitis pigmentosa. Last evaluated: 2018-01-13. Review status: criteria provided, single submitter. Criteria: ICSL Variant Classification Criteria 13 December 2019. Collection method: clinical testing. Allele origin: germline.
Comment: the same text as in the submission from Illumina Laboratory Services, Illumina above.

Breakthrough Genomics
Classification: Likely benign. Review status: criteria provided, single submitter. Criteria: ACMG Guidelines, 2015. Collection method: not provided. Allele origin: germline. Inheritance: Autosomal recessive inheritance. Affected: yes.